The following is an entry in ClinVar:

NM_018082.6(POLR3B):c.2823del (p.Lys942fs)

Genes: POLR3B (RNA polymerase III subunit B; plus strand), RFX4-AS1 (RFX4 antisense RNA 1; minus strand). Cytogenetic location: 12q23.3.
Variant type: Deletion.
Coding change: c.2823del on transcript NM_018082.6 (MANE Select); coding-DNA position 2823, one base deleted (G; older notation c.2823delG).
Protein change: p.Lys942fs; shifts the reading frame from lysine 942.
Molecular consequence: frameshift variant.
Genome position (GRCh38, 1-based): chr12:106,496,757, G deleted; the last of 4 consecutive G bases (chr12:106,496,754-106,496,757); deleting any one gives the same sequence. VCF-style (leftmost placement, unchanged base first): chr12-106496753-TG-T. GRCh37 (hg19) VCF-style: chr12-106890531-TG-T.
Other names: c.2649del, p.Lys884fs (NM_001160708.2); short protein forms K884fs, K942fs.
Identifiers: ClinVar variation 2500373 (VCV002500373.2), dbSNP rs1300618047, ClinGen allele CA683137166.
Genomic context (GRCh38, chr12:106,496,753, plus strand): 5'-AGCAGAGAGAGTGCTTGTGCCACAGGGAGGTGCTCACTTAATTTGTTCACATCCTGCAGG[TG>T]GGGAAGCTCATTGAGCTGCTGGCTGGCAAGGCCGGTGTGCTGGACGGCAGATTCCACTAC-3'

ClinVar aggregate classification (germline): Likely pathogenic (1 of 4 stars; one submission).

Submission:

GeneDx
Classification: Likely pathogenic. Last evaluated: 2026-02-15. Review status: criteria provided, single submitter. Criteria: GeneDx Variant Classification Process June 2021. Collection method: clinical testing. Allele origin: germline.
Comment: Frameshift variant predicted to result in protein truncation or nonsense mediated decay in a gene for which loss of function is a known mechanism of disease; Not observed at significant frequency in large population cohorts (gnomAD); Has not been previously published as pathogenic or benign to our knowledge